The following is an entry in ClinVar:

ClinVar aggregate classification (germline): Conflicting classifications of pathogenicity. Review status: criteria provided, conflicting classifications (1 of 4 stars). 7 submissions from 7 submitters: Uncertain significance (1); Likely benign (5). 1 of the submissions does not count toward it. Last evaluated 2026-01-28.

Conditions:
PURA-related severe neonatal hypotonia-seizures-encephalopathy syndrome (NEDRIHF). Also called: NEURODEVELOPMENTAL DISORDER WITH NEONATAL RESPIRATORY INSUFFICIENCY, HYPOTONIA, AND FEEDING DIFFICULTIES; PURA-Related Neurodevelopmental Disorders. Identifiers: Orphanet 438213, Orphanet 438216, MedGen C4015357, MONDO:1060108, OMIM 616158, MONDO:0018580.
PURA-related disorder. Also called: PURA-related condition.
Inborn genetic diseases. Identifiers: MedGen C0950123, MeSH D030342.

Allele frequency attached by ClinVar (database versions not stated): gnomAD exomes 0.00008 and 0.00027; gnomAD 0.00013 and 0.00014; TOPMed 0.00015; ESP Exome Variant Server 0.00023; ExAC 0.00003.
gnomAD v4.1: 426 of 1,613,858 alleles (0.026%); highest among the groups gnomAD compares: Non-Finnish European, 0.033%; no homozygotes.

Submissions (7):

Labcorp Genetics (formerly Invitae), Labcorp
Classification: Likely benign for PURA-related severe neonatal hypotonia-seizures-encephalopathy syndrome. Last evaluated: 2026-01-28. Review status: criteria provided, single submitter. Criteria: Invitae Variant Classification Sherloc (09022015). Collection method: clinical testing. Allele origin: germline.

Blueprint Genetics
Classification: Likely benign. Last evaluated: 2024-06-10. Review status: criteria provided, single submitter. Criteria: ACMG Guidelines, 2015. Collection method: clinical testing. Allele origin: germline.

CeGaT Center for Human Genetics Tuebingen
Classification: Likely benign. Last evaluated: 2023-10-01. Review status: criteria provided, single submitter. Criteria: CeGaT Center For Human Genetics Tuebingen Variant Classification Criteria Version 2. Collection method: clinical testing. Allele origin: germline. Affected: yes. Observed: 1 variant allele.
Comment: PURA: BP4

GeneDx
Classification: Likely benign. Last evaluated: 2021-05-26. Review status: criteria provided, single submitter. Criteria: GeneDx Variant Classification Process June 2021. Collection method: clinical testing. Allele origin: germline. Affected: yes.

Genetic Services Laboratory, University of Chicago
Classification: Uncertain significance. Last evaluated: 2016-09-15. Review status: criteria provided, single submitter. Criteria: ACMG Guidelines, 2015. Collection method: clinical testing. Allele origin: germline. Affected: no.

Ambry Genetics
Classification: Likely benign for Inborn genetic diseases. Last evaluated: 2016-09-13. Review status: criteria provided, single submitter. Criteria: Ambry Variant Classification Scheme 2023. Collection method: clinical testing. Allele origin: germline.

PreventionGenetics, part of Exact Sciences
Classification: Likely benign for PURA-related condition. Last evaluated: 2019-08-29. Review status: no assertion criteria provided. Collection method: clinical testing. Allele origin: germline. Not counted in ClinVar's aggregate classification.
Comment: This variant is classified as likely benign based on ACMG/AMP sequence variant interpretation guidelines (Richards et al. 2015 PMID: 25741868, with internal and published modifications).

NM_005859.5(PURA):c.621C>T (p.Asp207=)

Gene: PURA (purine rich element binding protein A; plus strand). Cytogenetic location: 5q31.3.
Variant type: single nucleotide variant.
Coding change: c.621C>T on transcript NM_005859.5 (MANE Select); coding-DNA position 621, C replaced by T.
Protein change: p.Asp207=; no amino-acid change (aspartic acid 207 retained).
Molecular consequence: synonymous variant.
Genome position (GRCh38, 1-based): chr5:140,114,802, C>T. VCF-style: chr5-140114802-C-T. GRCh37 (hg19) VCF-style: chr5-139494387-C-T.
Identifiers: ClinVar variation 436449 (VCV000436449.48), dbSNP rs142688247, ClinGen allele CA3437488.